The following is an entry in ClinVar:

NM_014000.3(VCL):c.1294C>G (p.Leu432Val)

Gene: VCL (vinculin; plus strand). Cytogenetic location: 10q22.2.
Variant type: single nucleotide variant.
Coding change: c.1294C>G on transcript NM_014000.3 (MANE Select); coding-DNA position 1294, C replaced by G.
Protein change: p.Leu432Val; replaces leucine 432 with valine.
Molecular consequence: missense variant.
Genome position (GRCh38, 1-based): chr10:74,090,140, C>G. VCF-style: chr10-74090140-C-G. GRCh37 (hg19) VCF-style: chr10-75849898-C-G.
Other names: c.1294C>G, p.Leu432Val (NM_003373.4); short protein forms L432V.
Identifiers: ClinVar variation 166543 (VCV000166543.38), dbSNP rs144146254, ClinGen allele CA179605.

ClinVar aggregate classification (germline): Conflicting classifications of pathogenicity. Review status: criteria provided, conflicting classifications (1 of 4 stars). 10 submissions from 10 submitters: Uncertain significance (7); Likely benign (3). Last evaluated 2026-04-14.

Conditions:
Cardiovascular phenotype. Identifiers: MedGen CN230736.
Cardiomyopathy (CMYO). Also called: Cardiomyopathies. Identifiers: Orphanet 167848, MedGen C0878544, MONDO:0004994, HP:0001638. Inheritance: Various modes of inheritance.
Dilated cardiomyopathy 1W (CMD1W). Identifiers: Orphanet 154, MedGen C1969639, MONDO:0012667, OMIM 611407.

Allele frequency attached by ClinVar (database versions not stated): TOPMed 0.00012; ExAC 0.00015; gnomAD exomes 0.00016; ESP Exome Variant Server 0.00023; gnomAD 0.00025.
gnomAD v4.1: 516 of 1,614,176 alleles (0.032%); highest among the groups gnomAD compares: Non-Finnish European, 0.041%; no homozygotes.

Submissions (10):

Ambry Genetics
Classification: Uncertain significance for Cardiovascular phenotype. Last evaluated: 2026-04-14. Review status: criteria provided, single submitter. Criteria: Ambry Variant Classification Scheme 2023. Collection method: clinical testing. Allele origin: germline.

Blueprint Genetics
Classification: Likely benign. Last evaluated: 2024-11-15. Review status: criteria provided, single submitter. Criteria: ACMG Guidelines, 2015. Collection method: clinical testing. Allele origin: germline.

Labcorp Genetics (formerly Invitae), Labcorp
Classification: Uncertain significance for Dilated cardiomyopathy 1W. Last evaluated: 2024-11-13. Review status: criteria provided, single submitter. Criteria: Invitae Variant Classification Sherloc (09022015). Collection method: clinical testing. Allele origin: germline.
Comment: This sequence change replaces leucine, which is neutral and non-polar, with valine, which is neutral and non-polar, at codon 432 of the VCL protein (p.Leu432Val). This variant is present in population databases (rs144146254, gnomAD 0.03%), and has an allele count higher than expected for a pathogenic variant. This missense change has been observed in individual(s) with sudden unexplained death (PMID: 29247119). ClinVar contains an entry for this variant (Variation ID: 166543). An algorithm developed to predict the effect of missense changes on protein structure and function (PolyPhen-2) suggests that this variant¬†is likely to be tolerated. In summary, the available evidence is currently insufficient to determine the role of this variant in disease. Therefore, it has been classified as a Variant of Uncertain Significance.

CHEO Genetics Diagnostic Laboratory, Children's Hospital of Eastern Ontario
Classification: Uncertain significance for Cardiomyopathy. Last evaluated: 2023-06-06. Review status: criteria provided, single submitter. Criteria: ACMG Guidelines, 2015. Collection method: clinical testing. Allele origin: germline.

Women's Health and Genetics/Laboratory Corporation of America, LabCorp
Classification: Likely benign. Last evaluated: 2023-05-22. Review status: criteria provided, single submitter. Criteria: LabCorp Variant Classification Summary - May 2015. Collection method: clinical testing. Allele origin: germline.
Comment: Variant summary: VCL c.1294C>G (p.Leu432Val) results in a conservative amino acid change in the encoded protein sequence. Four of five in-silico tools predict a benign effect of the variant on protein function. The variant allele was found at a frequency of 0.00017 in 282870 control chromosomes (gnomAD), predominantly at a frequency of 0.00035 within the Non-Finnish European subpopulation in the gnomAD database. The observed variant frequency within Non-Finnish European control individuals in the gnomAD database is approximately 14 fold of the estimated maximal expected allele frequency for a pathogenic variant in VCL causing Cardiomyopathy (2.5e-05), strongly suggesting that the variant is a benign polymorphism found primarily in populations of Non-Finnish European origin. c.1294C>G has been reported in the literature in individuals affected with sudden unexplained death (Lin_2017). This report does not provide unequivocal conclusions about association of the variant with Cardiomyopathy. To our knowledge, no experimental evidence demonstrating an impact on protein function has been reported. The following publication has been ascertained in the context of this evaluation (PMID: 29247119). Six ClinVar submitters have assessed the variant since 2014: five classified the variant as uncertain significance, and one as likely benign. Based on the evidence outlined above, the variant was classified as likely benign.

GeneDx
Classification: Uncertain significance. Last evaluated: 2023-02-06. Review status: criteria provided, single submitter. Criteria: GeneDx Variant Classification Process June 2021. Collection method: clinical testing. Allele origin: germline. Affected: yes.
Comment: Reported in a patient with sudden unexplained death (Lin et al., 2017); At the protein level, in silico analysis supports that this missense variant does not alter protein structure/function; At the mRNA level, in silico analysis, which includes splice predictors and evolutionary conservation, suggests this variant may impact gene splicing. In the absence of RNA/functional studies, the actual effect of this sequence change is unknown.; This variant is associated with the following publications: (PMID: 29247119, 23861362)

Victorian Clinical Genetics Services, Murdoch Childrens Research Institute
Classification: Likely benign for Cardiomyopathy. Last evaluated: 2021-05-06. Review status: criteria provided, single submitter. Criteria: ACMG Guidelines, 2015. Collection method: clinical testing. Allele origin: germline. Inheritance: Autosomal dominant inheritance.
Comment: Based on the classification scheme VCGS_Germline_v1.3.4, this variant is classified as Likely Benign. Following criteria are met: 0105 - The mechanism of disease for this gene is not clearly established. However, null variants have been reported in patients and therefore loss-of-function is speculated (PMID: 32516855). (I) 0107 - This gene is associated with autosomal dominant disease. (I) 0112 - The condition associated with this gene has incomplete penetrance. Asymptomatic carriers have been reported in families with null variants (PMID: 32516855). (I) 0200 - Variant is predicted to result in a missense amino acid change from leucine to valine. (I) 0251 - This variant is heterozygous. (I) 0308 - Population frequency for this variant is out of keeping with known incidence of disease. (SB) 0502 - Missense variant with conflicting in silico predictions and uninformative conservation. (I) 0604 - Variant is not located in an established domain, motif, hotspot or informative constraint region. (I) 0705 - No comparable missense variants have previous evidence for pathogenicity. (I) 0809 - Previous evidence of pathogenicity for this variant is inconclusive. It has been reported in a single case of sudden death and in a patient from a cohort which was not pre-selected for personal or family history of arrhythmia, cardiomyopathy or sudden cardiac death. However in the latter case, it is unclear if the patient is clinically affected with any cardiac conditions. Finally, this variant has been classified as VUS by diagnostic laboratories (PMID: 29247119, 23861362; ClinVar). (I) 0905 - No published segregation evidence has been identified for this variant. (I) 1007 - No published functional evidence has been identified for this variant. (I) 1208 - Inheritance information for this variant is not currently available in this individual. (I) Legend: (SP) - Supporting pathogenic, (I) - Information, (SB) - Supporting benign

Stanford Center for Inherited Cardiovascular Disease, Stanford University
Classification: Uncertain significance. Last evaluated: 2016-09-26. Review status: criteria provided, single submitter. Criteria: ACMG Guidelines, 2015. Collection method: provider interpretation. Allele origin: germline.

Biesecker Lab/Clinical Genomics Section, National Institutes of Health
Classification: Uncertain significance. Last evaluated: 2013-06-24. Review status: criteria provided, single submitter. Criteria: Ng et al. (Circ Cardiovasc Genet. 2013). Collection method: research. Allele origin: unknown. Observed: 1 variant allele. Study: ClinSeq.
Comment: The study set was not selected for affection status in relation to any cancer. Pathogenicity categories were based on literature curation. See Pubmed ID:23861362 for details.

Medical sequencing

Laboratory for Molecular Medicine, Mass General Brigham Personalized Medicine
Classification: Uncertain significance. Last evaluated: 2013-04-12. Review status: criteria provided, single submitter. Criteria: LMM Criteria. Collection method: clinical testing. Allele origin: germline. Observed: 1 variant allele.
Comment: The Leu432Val variant in VCL has not been reported in individuals with cardiomyo pathy, but has been identified in 2/8600 European American chromosomes and 1/440 6 African American chromosomes by the NHLBI Exome Sequencing Project (.; dbSNP rs144146254). Computational analyses (biochemical amino acid properties, conservation, AlignGVGD, PolyPhen2, and SIFT) do not prov ide strong support for or against an impact to the protein. Additional informati on is needed to fully assess the clinical significance of this variant.

Literature cited by the submitters: PubMed 29247119 (cited by 3 submitters); PubMed 23861362 (cited by Victorian Clinical Genetics Services, Murdoch Childrens Research Institute); PubMed 32516855 (cited by Victorian Clinical Genetics Services, Murdoch Childrens Research Institute).